The following is an entry in ClinVar:

ClinVar aggregate classification (germline): Uncertain significance. Review status: criteria provided, multiple submitters, no conflicts (2 of 4 stars). 4 submissions from 4 submitters: Uncertain significance (3). 1 of the submissions does not count toward it. Last evaluated 2025-06-18.

Conditions:
Retinal dystrophy. Also called: Inherited retinal dystrophy. Identifiers: Orphanet 71862, MedGen C0854723, MeSH D058499, MONDO:0019118, HP:0000556.
Inborn genetic diseases. Identifiers: MedGen C0950123, MeSH D030342.

Allele frequency attached by ClinVar (database versions not stated): ExAC below 0.00001; gnomAD exomes 0.00002; gnomAD 0.00008 and 0.00009; TOPMed 0.00008; 1000 Genomes Project 30x 0.00016; 1000 Genomes Project 0.00020.
gnomAD v4.1: 36 of 1,549,802 alleles (0.0023%); highest among the groups gnomAD compares: African/African-American, 0.021%; no homozygotes.

Submissions (4):

Ambry Genetics
Classification: Uncertain significance for Inborn genetic diseases. Last evaluated: 2025-06-18. Review status: criteria provided, single submitter. Criteria: Ambry Variant Classification Scheme 2023. Collection method: clinical testing. Allele origin: germline.

Labcorp Genetics (formerly Invitae), Labcorp
Classification: Uncertain significance. Last evaluated: 2025-05-21. Review status: criteria provided, single submitter. Criteria: Invitae Variant Classification Sherloc (09022015). Collection method: clinical testing. Allele origin: germline.
Comment: This sequence change replaces serine, which is neutral and polar, with leucine, which is neutral and non-polar, at codon 824 of the PROM1 protein (p.Ser824Leu). The frequency data for this variant in the population databases is considered unreliable, as metrics indicate poor data quality at this position in the gnomAD database. This missense change has been observed in individual(s) with retinitis pigmentosa (internal data). ClinVar contains an entry for this variant (Variation ID: 939778). Invitae Evidence Modeling of protein sequence and biophysical properties (such as structural, functional, and spatial information, amino acid conservation, physicochemical variation, residue mobility, and thermodynamic stability) indicates that this missense variant is expected to disrupt PROM1 protein function with a positive predictive value of 80%. In summary, the available evidence is currently insufficient to determine the role of this variant in disease. Therefore, it has been classified as a Variant of Uncertain Significance.

Blueprint Genetics
Classification: Uncertain significance. Last evaluated: 2022-06-08. Review status: criteria provided, single submitter. Criteria: ACMG Guidelines, 2015. Collection method: clinical testing. Allele origin: germline.

Institute of Human Genetics, Univ. Regensburg, Univ. Regensburg
Classification: Uncertain significance for Retinal dystrophy. Last evaluated: 2023-01-01. Review status: no assertion criteria provided. Criteria: ACMG Guidelines, 2015. Collection method: clinical testing. Allele origin: germline. Affected: yes. Not counted in ClinVar's aggregate classification.

NM_006017.3(PROM1):c.2471C>T (p.Ser824Leu)

Gene: PROM1 (prominin 1; minus strand). Cytogenetic location: 4p15.32.
Variant type: single nucleotide variant.
Coding change: c.2471C>T on transcript NM_006017.3 (MANE Select); coding-DNA position 2471, C replaced by T.
Protein change: p.Ser824Leu; replaces serine 824 with leucine.
Molecular consequence: missense variant.
Genome position (GRCh38, 1-based): chr4:15,980,440, G>A on the plus strand (C>T on the coding strand, the complement: PROM1 is on the minus strand). VCF-style: chr4-15980440-G-A. GRCh37 (hg19) VCF-style: chr4-15982063-G-A.
Other names: c.2444C>T, p.Ser815Leu (NM_001145847.2, NM_001145848.2, NM_001145851.2 and 4 more transcripts); c.2471C>T, p.Ser824Leu (NM_001145849.2, NM_001145850.2); short protein forms S815L, S824L.
Identifiers: ClinVar variation 939778 (VCV000939778.11), dbSNP rs575302651, ClinGen allele CA2866384.